The following is an entry in ClinVar:

NM_000430.4(PAFAH1B1):c.176T>C (p.Ile59Thr)

Gene: PAFAH1B1 (platelet activating factor acetylhydrolase 1b regulatory subunit 1; plus strand). Cytogenetic location: 17p13.3.
Variant type: single nucleotide variant.
Coding change: c.176T>C on transcript NM_000430.4 (MANE Select); coding-DNA position 176, T replaced by C.
Protein change: p.Ile59Thr; replaces isoleucine 59 with threonine.
Molecular consequence: missense variant.
Genome position (GRCh38, 1-based): chr17:2,666,074, T>C. VCF-style: chr17-2666074-T-C. GRCh37 (hg19) VCF-style: chr17-2569368-T-C.
Other names: short protein forms I59T.
Identifiers: ClinVar variation 1381256 (VCV001381256.6), dbSNP rs773195662, ClinGen allele CA8283127.

ClinVar aggregate classification (germline): Uncertain significance (1 of 4 stars; one submission).

Submission:

Labcorp Genetics (formerly Invitae), Labcorp
Classification: Uncertain significance. Last evaluated: 2022-07-12. Review status: criteria provided, single submitter. Criteria: Invitae Variant Classification Sherloc (09022015). Collection method: clinical testing. Allele origin: germline.
Comment: In summary, the available evidence is currently insufficient to determine the role of this variant in disease. Therefore, it has been classified as a Variant of Uncertain Significance. Algorithms developed to predict the effect of missense changes on protein structure and function are either unavailable or do not agree on the potential impact of this missense change (SIFT: "Deleterious"; PolyPhen-2: "Benign"; Align-GVGD: "Class C0"). ClinVar contains an entry for this variant (Variation ID: 1381256). This variant has not been reported in the literature in individuals affected with PAFAH1B1-related conditions. This variant is not present in population databases (gnomAD no frequency). This sequence change replaces isoleucine, which is neutral and non-polar, with threonine, which is neutral and polar, at codon 59 of the PAFAH1B1 protein (p.Ile59Thr).